The following is an entry in ClinVar:

ClinVar aggregate classification (germline): Uncertain significance (1 of 4 stars; one submission).

Conditions:
Propionic acidemia (PROP). Also called: GLYCINEMIA, KETOTIC; HYPERGLYCINEMIA WITH KETOACIDOSIS AND LEUKOPENIA; KETOTIC HYPERGLYCINEMIA. Identifiers: Orphanet 35, MedGen C0268579, MONDO:0011628, OMIM 606054, HP:0003571.

Allele frequency attached by ClinVar (database versions not stated): gnomAD 0.00001 and 0.00003; ExAC 0.00002; gnomAD exomes 0.00002; TOPMed 0.00005.
gnomAD v4.1: 19 of 1,613,284 alleles (0.0012%); highest among the groups gnomAD compares: Non-Finnish European, 0.0014%; no homozygotes.

Submission:

Labcorp Genetics (formerly Invitae), Labcorp
Classification: Uncertain significance for Propionic acidemia. Last evaluated: 2022-05-04. Review status: criteria provided, single submitter. Criteria: Invitae Variant Classification Sherloc (09022015). Collection method: clinical testing. Allele origin: germline.
Comment: This sequence change replaces alanine, which is neutral and non-polar, with serine, which is neutral and polar, at codon 438 of the PCCB protein (p.Ala438Ser). This variant is present in population databases (rs752758930, gnomAD 0.004%). This variant has not been reported in the literature in individuals affected with PCCB-related conditions. Advanced modeling of protein sequence and biophysical properties (such as structural, functional, and spatial information, amino acid conservation, physicochemical variation, residue mobility, and thermodynamic stability) performed at Invitae indicates that this missense variant is expected to disrupt PCCB protein function. In summary, the available evidence is currently insufficient to determine the role of this variant in disease. Therefore, it has been classified as a Variant of Uncertain Significance.

NM_000532.5(PCCB):c.1312G>T (p.Ala438Ser)

Gene: PCCB (propionyl-CoA carboxylase subunit beta; plus strand). Cytogenetic location: 3q22.3.
Variant type: single nucleotide variant.
Coding change: c.1312G>T on transcript NM_000532.5 (MANE Select); coding-DNA position 1312, G replaced by T.
Protein change: p.Ala438Ser; replaces alanine 438 with serine.
Molecular consequence: missense variant.
Genome position (GRCh38, 1-based): chr3:136,327,646, G>T. VCF-style: chr3-136327646-G-T. GRCh37 (hg19) VCF-style: chr3-136046488-G-T.
Other names: c.1372G>T, p.Ala458Ser (NM_001178014.2); short protein forms A438S, A458S.
Identifiers: ClinVar variation 1434935 (VCV001434935.3), dbSNP rs752758930, ClinGen allele CA2632148.
Genomic context (GRCh38, chr3:136,327,646, plus strand): 5'-GATCTGGCTGTCTCAGGCTCTAACACTCAGCATTTGGATCTGTTTTAGGCCTATGGAGGT[G>T]CCTATGATGTCATGAGCTCTAAGCACCTTTGTGGTGATACCAACTATGCCTGGCCCACCG-3'
Protein context (NP_000523.2, residues 428-448): TVITRKAYGG[Ala438Ser]YDVMSSKHLC